The following is an entry in ClinVar:

NM_001378213.1(BCL9L):c.4182T>C (p.Pro1394=)

Gene: BCL9L (BCL9 like; minus strand). Cytogenetic location: 11q23.3.
Variant type: single nucleotide variant.
Coding change: c.4182T>C on transcript NM_001378213.1 (MANE Select); coding-DNA position 4182, T replaced by C.
Protein change: p.Pro1394=; no amino-acid change (proline 1394 retained).
Molecular consequence: synonymous variant. On other transcripts: non-coding transcript variant (1).
Genome position (GRCh38, 1-based): chr11:118,898,733, A>G on the plus strand (T>C on the coding strand, the complement: BCL9L is on the minus strand). VCF-style: chr11-118898733-A-G. GRCh37 (hg19) VCF-style: chr11-118769442-A-G.
Other names: c.4071T>C, p.Pro1357= (NM_001378214.1); c.4182T>C, p.Pro1394= (NM_182557.4).
Identifiers: ClinVar variation 402412 (VCV000402412.5), dbSNP rs7104819, ClinGen allele CA6309021.

ClinVar aggregate classification (germline): Benign. Review status: criteria provided, multiple submitters, no conflicts (2 of 4 stars). 2 submissions from 2 submitters: Benign (2). Last evaluated 2016-03-29.

Allele frequency attached by ClinVar (database versions not stated): gnomAD exomes 0.40968 and 0.42808; ExAC 0.42462; 1000 Genomes Project 0.44409; 1000 Genomes Project 30x 0.45222; gnomAD 0.48379 and 0.49499; ESP Exome Variant Server 0.48590; TOPMed 0.50113.
gnomAD v4.1: 672,907 of 1,612,734 alleles (42%); highest among the groups gnomAD compares: African/African-American, 64%; 144,976 homozygotes.

Submissions (2):

Laboratory for Molecular Medicine, Mass General Brigham Personalized Medicine
Classification: Benign. Last evaluated: 2016-03-29. Review status: criteria provided, single submitter. Criteria: LMM Criteria. Collection method: clinical testing. Allele origin: germline.
Comment: Variant identified in a genome or exome case(s) and assessed due to predicted null impact of the variant or pathogenic assertions in the literature or databases. Disclaimer: This variant has not undergone full assessment. The following are preliminary notes: Frequency

Breakthrough Genomics
Classification: Benign. Review status: criteria provided, single submitter. Criteria: ACMG Guidelines, 2015. Collection method: not provided. Allele origin: germline. Inheritance: Unknown mechanism. Affected: yes.